The following is an entry in ClinVar:

ClinVar aggregate classification (germline): Uncertain significance. Review status: criteria provided, multiple submitters, no conflicts (2 of 4 stars). 4 submissions from 4 submitters: Uncertain significance (3). 1 of the submissions does not count toward it. Last evaluated 2025-08-25.

Conditions:
Congenital myasthenic syndrome 11. Also called: Myasthenic syndrome, congenital, 11, associated with acetylcholine receptor deficiency; MYASTHENIC SYNDROME, CONGENITAL, Ie. Identifiers: Orphanet 590, MedGen C4225367, MONDO:0014588, OMIM 616326.
Fetal akinesia deformation sequence 1 (FADS1). Also called: Fetal akinesia sequence; Pena-Shokeir syndrome type I. Identifiers: Orphanet 994, MedGen C1276035, MONDO:0100101, OMIM 208150, HP:0001989.
Congenital myasthenic syndrome (CMS). Also called: Congenital Myasthenic Syndromes. Identifiers: Orphanet 590, MedGen C0751882, MeSH D020294, MONDO:0018940.
Inborn genetic diseases. Identifiers: MedGen C0950123, MeSH D030342.

Allele frequency attached by ClinVar (database versions not stated): TOPMed 0.00003; gnomAD 0.00004; gnomAD exomes 0.00004 and 0.00007; ExAC 0.00006; ESP Exome Variant Server 0.00008.
gnomAD v4.1: 113 of 1,614,088 alleles (0.007%); highest among the groups gnomAD compares: Non-Finnish European, 0.0086%; no homozygotes.

Submissions (4):

Ambry Genetics
Classification: Uncertain significance for Inborn genetic diseases. Last evaluated: 2025-08-25. Review status: criteria provided, single submitter. Criteria: Ambry Variant Classification Scheme 2023. Collection method: clinical testing. Allele origin: germline.

Revvity Omics, Revvity
Classification: Uncertain significance. Last evaluated: 2022-11-28. Review status: criteria provided, single submitter. Criteria: ACMG Guidelines, 2015. Collection method: clinical testing. Allele origin: germline.

Labcorp Genetics (formerly Invitae), Labcorp
Classification: Uncertain significance for Congenital myasthenic syndrome 11; Fetal akinesia deformation sequence 1. Last evaluated: 2022-08-16. Review status: criteria provided, single submitter. Criteria: Invitae Variant Classification Sherloc (09022015). Collection method: clinical testing. Allele origin: germline.
Comment: This sequence change replaces glycine, which is neutral and non-polar, with serine, which is neutral and polar, at codon 223 of the RAPSN protein (p.Gly223Ser). This variant is present in population databases (rs138863694, gnomAD 0.009%). This variant has not been reported in the literature in individuals affected with RAPSN-related conditions. ClinVar contains an entry for this variant (Variation ID: 647705). Algorithms developed to predict the effect of missense changes on protein structure and function (SIFT, PolyPhen-2, Align-GVGD) all suggest that this variant is likely to be tolerated. In summary, the available evidence is currently insufficient to determine the role of this variant in disease. Therefore, it has been classified as a Variant of Uncertain Significance.

Natera, Inc.
Classification: Uncertain significance for Congenital myasthenic syndrome. Last evaluated: 2020-02-26. Review status: no assertion criteria provided. Collection method: clinical testing. Allele origin: germline. Not counted in ClinVar's aggregate classification.

NM_005055.5(RAPSN):c.667G>A (p.Gly223Ser)

Gene: RAPSN (receptor associated protein of the synapse; minus strand). Cytogenetic location: 11p11.2.
Variant type: single nucleotide variant.
Coding change: c.667G>A on transcript NM_005055.5 (MANE Select); coding-DNA position 667, G replaced by A.
Protein change: p.Gly223Ser; replaces glycine 223 with serine.
Molecular consequence: missense variant.
Genome position (GRCh38, 1-based): chr11:47,442,679, C>T on the plus strand (G>A on the coding strand, the complement: RAPSN is on the minus strand). VCF-style: chr11-47442679-C-T. GRCh37 (hg19) VCF-style: chr11-47464231-C-T.
Other names: c.667G>A, p.Gly223Ser (NM_032645.5); short protein forms G223S.
Identifiers: ClinVar variation 647705 (VCV000647705.7), dbSNP rs138863694, ClinGen allele CA5976683.